The following is an entry in ClinVar:

NM_000531.6(OTC):c.621C>A (p.Ser207Arg)

Gene: OTC (ornithine transcarbamylase; plus strand). Cytogenetic location: Xp11.4.
Variant type: single nucleotide variant.
Coding change: c.621C>A on transcript NM_000531.6 (MANE Select); coding-DNA position 621, C replaced by A.
Protein change: p.Ser207Arg; replaces serine 207 with arginine.
Molecular consequence: missense variant.
Genome position (GRCh38, 1-based): chrX:38,403,698, C>A. VCF-style: chrX-38403698-C-A. GRCh37 (hg19) VCF-style: chrX-38262951-C-A.
Other names: short protein forms S207R.
Identifiers: ClinVar variation 97273 (VCV000097273.6), dbSNP rs72558415, ClinGen allele CA224715.

ClinVar aggregate classification (germline): Pathogenic/Likely pathogenic. Review status: criteria provided, multiple submitters, no conflicts (2 of 4 stars). 3 submissions from 3 submitters: Pathogenic (1); Likely pathogenic (1). 1 of the submissions does not count toward it. Last evaluated 2026-04-17.

Conditions:
Ornithine carbamoyltransferase deficiency (OTCD). Also called: ORNITHINE TRANSCARBAMYLASE DEFICIENCY; ORNITHINE TRANSCARBAMYLASE DEFICIENCY, HYPERAMMONEMIA DUE TO; Ornithine Carbamoyltransferase Deficiency Disease; OTC DEFICIENCY. Identifiers: Orphanet 664, MedGen C0268542, MONDO:0010703, OMIM 311250.

Submissions (3):

GeneDx
Classification: Pathogenic. Last evaluated: 2026-04-17. Review status: criteria provided, single submitter. Criteria: GeneDx Variant Classification Process June 2021. Collection method: clinical testing. Allele origin: germline.
Comment: Published functional studies support this variant is associated with impaired OTC activity (PMID: 37146589); In silico analysis supports that this missense variant has a deleterious effect on protein structure/function; Not observed at significant frequency in large population cohorts (gnomAD); This variant is associated with the following publications: (PMID: 9452024, 28324312, 40464331, 37146589, 37291213, 37350098, 39417332)

Victorian Clinical Genetics Services, Murdoch Childrens Research Institute
Classification: Likely pathogenic for Ornithine carbamoyltransferase deficiency. Last evaluated: 2021-05-06. Review status: criteria provided, single submitter. Criteria: ACMG Guidelines, 2015. Collection method: clinical testing. Allele origin: germline. Inheritance: X-linked recessive inheritance. Affected: yes.
Comment: Based on the classification scheme VCGS_Germline_v1.3.4, this variant is classified as Likely Pathogenic. Following criteria are met: 0102 - Loss of function is a known mechanism of disease in this gene and is associated with ornithine transcarbamylase deficiency. (I) 0109 - This gene is associated with X-linked recessive disease, however carrier females can be affected (PMID:26059767). (I) 0200 - Variant is predicted to result in a missense amino acid change from serine to arginine. (I) 0251 - This variant is heterozygous. (I) 0301 - Variant is absent from gnomAD (both v2 and v3). (SP) 0501 - Missense variant consistently predicted to be damaging by multiple in silico tools or highly conserved with a major amino acid change. (SP) 0600 - Variant is located in the annotated aspartate/ornithine carbamoyl transferase domain (Pfam). (I) 0703 - Other missense variants comparable to the one identified in this case have moderate previous evidence for pathogenicity. The variant p.(Ser207Asn) has been reported in multiple individuals with ornithine transcarbamylase deficiency (PMID: 17565723, 23278509, 16786505, ClinVar). (SP) 0803 - This variant has limited previous evidence of pathogenicity in unrelated individuals. Two individuals with ornithine transcarbamylase deficiency have been reported with this variant (PMID:9452024, ClinVar). (SP) 0905 - No published segregation evidence has been identified for this variant. (I) 1007 - No published functional evidence has been identified for this variant. (I) Legend: (SP) - Supporting pathogenic, (I) - Information, (SB) - Supporting benign

GenMed Metabolism Lab
Classification: Pathogenic. Review status: no assertion criteria provided. Collection method: not provided. Allele origin: unknown. Not counted in ClinVar's aggregate classification.
Comment: p.Ser207Arg, Neonatal
ClinVar note: Converted during submission from pathogenic to Pathogenic.

Literature cited by the submitters: PubMed 9452024 (cited by Victorian Clinical Genetics Services, Murdoch Childrens Research Institute); PubMed 16786505 (cited by Victorian Clinical Genetics Services, Murdoch Childrens Research Institute); PubMed 17565723 (cited by Victorian Clinical Genetics Services, Murdoch Childrens Research Institute); PubMed 23278509 (cited by Victorian Clinical Genetics Services, Murdoch Childrens Research Institute); PubMed 26059767 (cited by Victorian Clinical Genetics Services, Murdoch Childrens Research Institute).